The following is an entry in ClinVar:

ClinVar aggregate classification (germline): Uncertain significance (1 of 4 stars; one submission).

gnomAD v4.1: 3 of 1,611,532 alleles (0.00019%); highest among the groups gnomAD compares: Non-Finnish European, 0.00025%; no homozygotes.

Submission:

Labcorp Genetics (formerly Invitae), Labcorp
Classification: Uncertain significance. Last evaluated: 2022-06-21. Review status: criteria provided, single submitter. Criteria: Invitae Variant Classification Sherloc (09022015). Collection method: clinical testing. Allele origin: germline.
Comment: This sequence change replaces tyrosine, which is neutral and polar, with phenylalanine, which is neutral and non-polar, at codon 216 of the NLRP1 protein (p.Tyr216Phe). This variant has not been reported in the literature in individuals affected with NLRP1-related conditions. Algorithms developed to predict the effect of missense changes on protein structure and function (SIFT, PolyPhen-2, Align-GVGD) all suggest that this variant is likely to be tolerated. This variant is not present in population databases (gnomAD no frequency). In summary, the available evidence is currently insufficient to determine the role of this variant in disease. Therefore, it has been classified as a Variant of Uncertain Significance.

NM_033004.4(NLRP1):c.647A>T (p.Tyr216Phe)

Gene: NLRP1 (NLR family pyrin domain containing 1; minus strand). Cytogenetic location: 17p13.2.
Variant type: single nucleotide variant.
Coding change: c.647A>T on transcript NM_033004.4 (MANE Select); coding-DNA position 647, A replaced by T.
Protein change: p.Tyr216Phe; replaces tyrosine 216 with phenylalanine.
Molecular consequence: missense variant.
Genome position (GRCh38, 1-based): chr17:5,581,864, T>A on the plus strand (A>T on the coding strand, the complement: NLRP1 is on the minus strand). VCF-style: chr17-5581864-T-A. GRCh37 (hg19) VCF-style: chr17-5485184-T-A.
Other names: c.647A>T, p.Tyr216Phe (NM_001033053.3, NM_014922.5, NM_033006.4 and 1 more transcripts); short protein forms Y216F.
Identifiers: ClinVar variation 1998643 (VCV001998643.4), dbSNP rs1905691392, ClinGen allele CA397389534.